The following is an entry in ClinVar:

NM_005481.3(MED16):c.1841T>C (p.Leu614Pro)

Gene: MED16 (mediator complex subunit 16; minus strand). Cytogenetic location: 19p13.3.
Variant type: single nucleotide variant.
Coding change: c.1841T>C on transcript NM_005481.3 (MANE Select); coding-DNA position 1841, T replaced by C.
Protein change: p.Leu614Pro; replaces leucine 614 with proline.
Molecular consequence: missense variant.
Genome position (GRCh38, 1-based): chr19:873,513, A>G on the plus strand (T>C on the coding strand, the complement: MED16 is on the minus strand). VCF-style: chr19-873513-A-G. GRCh37 (hg19) VCF-style: chr19-873513-A-G.
Other names: short protein forms L614P.
Identifiers: ClinVar variation 4085307 (VCV004085307.8).

ClinVar aggregate classification (germline): Uncertain significance (1 of 4 stars; one submission).

Submission:

CeGaT Center for Human Genetics Tuebingen
Classification: Uncertain significance. Last evaluated: 2025-06-01. Review status: criteria provided, single submitter. Criteria: CeGaT Center For Human Genetics Tuebingen Variant Classification Criteria Version 2. Collection method: clinical testing. Allele origin: germline. Affected: yes. Observed: 1 variant allele.
Comment: MED16: PM2